The following is an entry in ClinVar:

ClinVar aggregate classification (germline): Pathogenic. Review status: criteria provided, single submitter (1 of 4 stars). 2 submissions from 2 submitters: Pathogenic (1). 1 of the submissions does not count toward it. Last evaluated 2023-06-15.

Conditions:
Tooth agenesis, selective, 4 (STHAG4). Also called: TOOTH AGENESIS, SELECTIVE, 4, WITH OR WITHOUT ECTODERMAL DYSPLASIA; LATERAL INCISORS, ABSENCE OF; LATERAL INCISORS, PEGGED OR MISSING; SUCCEDANEOUS TEETH, AGENESIS OF. Identifiers: Orphanet 99798, MedGen C1835492, MONDO:0007881, OMIM 150400. Disease mechanism: loss of function.
Odonto-onycho-dermal dysplasia. Identifiers: Orphanet 2721, MedGen C0796093, MONDO:0009773, OMIM 257980.

Allele frequency attached by ClinVar (database versions not stated): gnomAD exomes below 0.00001; ExAC 0.00001.

Submissions (2):

Labcorp Genetics (formerly Invitae), Labcorp
Classification: Pathogenic for Tooth agenesis, selective, 4; Odonto-onycho-dermal dysplasia. Last evaluated: 2023-06-15. Review status: criteria provided, single submitter. Criteria: Invitae Variant Classification Sherloc (09022015). Collection method: clinical testing. Allele origin: germline.
Comment: This variant has not been reported in the literature in individuals affected with WNT10A-related conditions. This sequence change results in a frameshift in the WNT10A gene (p.Cys346Alafs*92). While this is not anticipated to result in nonsense mediated decay, it is expected to disrupt the last 72 amino acid(s) of the WNT10A protein and extend the protein by 19 additional amino acid residues. This variant is present in population databases (rs761182689, gnomAD 0.006%). This variant disrupts a region of the WNT10A protein in which other variant(s) (p.Glu390*) have been determined to be pathogenic (PMID: 24902757). This suggests that this is a clinically significant region of the protein, and that variants that disrupt it are likely to be disease-causing. For these reasons, this variant has been classified as Pathogenic.

Department of Second Dental Center, Ninth People’s Hospital, Shanghai Jiao Tong University School of Medicine
Classification: Likely pathogenic for Tooth agenesis, selective, 4. Review status: no assertion criteria provided. Collection method: clinical testing. Allele origin: germline. Affected: yes. Not counted in ClinVar's aggregate classification.

Literature cited by the submitters: PubMed 24902757 (cited by Labcorp Genetics (formerly Invitae), Labcorp); PubMed 36071541 (cited by Department of Second Dental Center, Ninth People’s Hospital, Shanghai Jiao Tong University School of Medicine).

NM_025216.3(WNT10A):c.1036del (p.Cys346fs)

Gene: WNT10A (Wnt family member 10A; plus strand). Cytogenetic location: 2q35.
Variant type: Deletion.
Coding change: c.1036del on transcript NM_025216.3 (MANE Select); coding-DNA position 1036, one base deleted (T; older notation c.1036delT).
Protein change: p.Cys346fs; shifts the reading frame from cysteine 346.
Molecular consequence: frameshift variant.
Genome position (GRCh38, 1-based): chr2:218,893,053, T deleted. VCF-style (leftmost placement, unchanged base first): chr2-218893052-CT-C. GRCh37 (hg19) VCF-style: chr2-219757774-CT-C.
Other names: c.1036delT (NM_025216.3); short protein forms C346fs.
Identifiers: ClinVar variation 2577029 (VCV002577029.4), dbSNP rs761182689, ClinGen allele CA2114096.